The following is an entry in ClinVar:

NM_001110556.2(FLNA):c.2648G>A (p.Ser883Asn)

Gene: FLNA (filamin A; minus strand). Cytogenetic location: Xq28.
Variant type: single nucleotide variant.
Coding change: c.2648G>A on transcript NM_001110556.2 (MANE Select); coding-DNA position 2648, G replaced by A.
Protein change: p.Ser883Asn; replaces serine 883 with asparagine.
Molecular consequence: missense variant.
Genome position (GRCh38, 1-based): chrX:154,362,250, C>T on the plus strand (G>A on the coding strand, the complement: FLNA is on the minus strand). VCF-style: chrX-154362250-C-T. GRCh37 (hg19) VCF-style: chrX-153590618-C-T.
Other names: c.2648G>A, p.Ser883Asn (NM_001456.4); short protein forms S883N.
Identifiers: ClinVar variation 1804435 (VCV001804435.1), dbSNP rs1294974705, ClinGen allele CA415233354.
Genomic context (GRCh38, chrX:154,362,250, plus strand): 5'-AGCCCTCCTACCCTTGATGCCCCGCAACCTGCCATGGGGTACCTGTCCTCACCAGTGCGA[C>T]TGAGGCCAGGGCCCTCGGCCTTCACCTTACTGGCGTCATGAGAGGGCTCCACCTTGACTC-3'
Protein context (NP_001104026.1, residues 873-893): SKVKAEGPGL[Ser883Asn]RTGVELGKPT

ClinVar aggregate classification (germline): Uncertain significance (1 of 4 stars; one submission).

Allele frequency attached by ClinVar (database versions not stated): gnomAD 0.00001; TOPMed 0.00002.
gnomAD v4.1: 1 of 1,209,233 alleles (0.000083%); highest among the groups gnomAD compares: East Asian, 0.003%; no homozygotes.

Submission:

GeneDx
Classification: Uncertain significance. Last evaluated: 2022-06-15. Review status: criteria provided, single submitter. Criteria: GeneDx Variant Classification Process June 2021. Collection method: clinical testing. Allele origin: germline. Affected: yes.
Comment: Not observed at significant frequency in large population cohorts (gnomAD); In silico analysis supports that this missense variant does not alter protein structure/function; Has not been previously published as pathogenic or benign to our knowledge